The following is an entry in ClinVar:

NM_052947.4(ALPK2):c.2572A>C (p.Lys858Gln)

Gene: ALPK2 (alpha kinase 2; minus strand). Cytogenetic location: 18q21.31.
Variant type: single nucleotide variant.
Coding change: c.2572A>C on transcript NM_052947.4 (MANE Select); coding-DNA position 2572, A replaced by C.
Protein change: p.Lys858Gln; replaces lysine 858 with glutamine.
Molecular consequence: missense variant.
Genome position (GRCh38, 1-based): chr18:58,537,615, T>G on the plus strand (A>C on the coding strand, the complement: ALPK2 is on the minus strand). VCF-style: chr18-58537615-T-G. GRCh37 (hg19) VCF-style: chr18-56204847-T-G.
Other names: short protein forms K858Q.
Identifiers: ClinVar variation 1793257 (VCV001793257.2), dbSNP rs2051660150, ClinGen allele CA402570243.
Genomic context (GRCh38, chr18:58,537,615, plus strand): 5'-TTTTGCACGTAGACACTGAAGTCTCAGACACTTGTGTCTGAAAAAAGACTTCCAGTGTCT[T>G]GTCATTAGAAGAACATAAATCAGATACTTTGTTTTGACCTTCTGCCAGTTCCGTATCTAC-3'
Protein context (NP_443179.3, residues 848-868): KVSDLCSSND[Lys858Gln]TLEVFFQTQV

ClinVar aggregate classification (germline): Uncertain significance (1 of 4 stars; one submission).

Submission:

Ambry Genetics
Classification: Uncertain significance. Last evaluated: 2022-05-07. Review status: criteria provided, single submitter. Criteria: Ambry Variant Classification Scheme 2023. Collection method: clinical testing. Allele origin: germline.
Comment: The p.K858Q variant (also known as c.2572A>C), located in coding exon 4 of the ALPK2 gene, results from an A to C substitution at nucleotide position 2572. The lysine at codon 858 is replaced by glutamine, an amino acid with similar properties. This amino acid position is conserved. In addition, this alteration is predicted to be tolerated by in silico analysis. Since supporting evidence is limited at this time, the clinical significance of this alteration remains unclear.